The following is an entry in ClinVar:

ClinVar aggregate classification (germline): Pathogenic (1 of 4 stars; one submission).

Conditions:
Juvenile polyposis syndrome (JPS). Identifiers: Orphanet 2929, MedGen C0345893, MONDO:0017380, OMIM 174900.

Submission:

Labcorp Genetics (formerly Invitae), Labcorp
Classification: Pathogenic for Juvenile polyposis syndrome. Last evaluated: 2019-11-27. Review status: criteria provided, single submitter. Criteria: Invitae Variant Classification Sherloc (09022015). Collection method: clinical testing. Allele origin: germline.
Comment: This variant has not been reported in the literature in individuals with SMAD4-related conditions. This variant is not present in population databases (ExAC no frequency). This sequence change creates a premature translational stop signal (p.Phe166Leufs*36) in the SMAD4 gene. It is expected to result in an absent or disrupted protein product. Loss-of-function variants in SMAD4 are known to be pathogenic (PMID: 16152648, 16436638, 22810475). For these reasons, this variant has been classified as Pathogenic.

Literature cited by the submitters: PubMed 16152648; PubMed 16436638; PubMed 22810475.

NM_005359.6(SMAD4):c.498del (p.Phe166fs)

Gene: SMAD4 (SMAD family member 4; plus strand). Cytogenetic location: 18q21.2.
Variant type: Deletion.
Coding change: c.498del on transcript NM_005359.6 (MANE Select); coding-DNA position 498, one base deleted (T; older notation c.498delT).
Protein change: p.Phe166fs; shifts the reading frame from phenylalanine 166.
Molecular consequence: frameshift variant.
Genome position (GRCh38, 1-based): chr18:51,054,824, T deleted; the last of 3 consecutive T bases (chr18:51,054,822-51,054,824); deleting any one gives the same sequence. VCF-style (leftmost placement, unchanged base first): chr18-51054821-CT-C. GRCh37 (hg19) VCF-style: chr18-48581191-CT-C.
Other names: short protein forms F166fs.
Identifiers: ClinVar variation 841903 (VCV000841903.7), dbSNP rs1909795937, ClinGen allele CA916081939.
Genomic context (GRCh38, chr18:51,054,821, plus strand): 5'-ATGTTTAATTTTCTATATAGCTCCATCAAGTATGATGGTGAAGGATGAATATGTGCATGA[CT>C]TTGAGGGACAGCCATCGTTGTCCACTGAAGGACATTCAATTCAAACCATCCAGCATCCAC-3'